The following is an entry in ClinVar:

ClinVar aggregate classification (germline): Uncertain significance (1 of 4 stars; one submission).

Conditions:
Inborn genetic diseases. Identifiers: MedGen C0950123, MeSH D030342.

gnomAD v4.1: 4 of 1,613,886 alleles (0.00025%); highest among the groups gnomAD compares: Admixed American, 0.005%; no homozygotes.

Submission:

Ambry Genetics
Classification: Uncertain significance for Inborn genetic diseases. Last evaluated: 2026-04-11. Review status: criteria provided, single submitter. Criteria: Ambry Variant Classification Scheme 2023. Collection method: clinical testing. Allele origin: germline.
Comment: The p.S511A variant (also known as c.1531T>G), located in coding exon 14 of the FIG4 gene, results from a T to G substitution at nucleotide position 1531. The serine at codon 511 is replaced by alanine, an amino acid with similar properties. This amino acid position is conserved. In addition, this alteration is predicted to be tolerated by in silico analysis. Based on the available evidence, the clinical significance of this variant remains unclear.

NM_014845.6(FIG4):c.1531T>G (p.Ser511Ala)

Gene: FIG4 (FIG4 phosphoinositide 5-phosphatase; plus strand). Cytogenetic location: 6q21.
Variant type: single nucleotide variant.
Coding change: c.1531T>G on transcript NM_014845.6 (MANE Select); coding-DNA position 1531, T replaced by G.
Protein change: p.Ser511Ala; replaces serine 511 with alanine.
Molecular consequence: missense variant.
Genome position (GRCh38, 1-based): chr6:109,765,109, T>G. VCF-style: chr6-109765109-T-G. GRCh37 (hg19) VCF-style: chr6-110086312-T-G.
Other names: short protein forms S511A.
Identifiers: ClinVar variation 4257621 (VCV004257621.2).